The following is an entry in ClinVar:

NM_015910.7(WDPCP):c.68C>A (p.Pro23Gln)

Gene: WDPCP (WD repeat containing planar cell polarity effector; minus strand). Cytogenetic location: 2p15.
Variant type: single nucleotide variant.
Coding change: c.68C>A on transcript NM_015910.7 (MANE Select); coding-DNA position 68, C replaced by A.
Protein change: p.Pro23Gln; replaces proline 23 with glutamine.
Molecular consequence: missense variant. On other transcripts: 5 prime UTR variant (1), non-coding transcript variant (2).
Genome position (GRCh38, 1-based): chr2:63,588,204, G>T on the plus strand (C>A on the coding strand, the complement: WDPCP is on the minus strand). VCF-style: chr2-63588204-G-T. GRCh37 (hg19) VCF-style: chr2-63815338-G-T.
Other names: c.-257C>A (NM_001354044.2); c.68C>A, p.Pro23Gln (NM_001354045.2); short protein forms P23Q.
Identifiers: ClinVar variation 193388 (VCV000193388.52), dbSNP rs141340867, ClinGen allele CA200546.

ClinVar aggregate classification (germline): Benign/Likely benign. Review status: criteria provided, multiple submitters, no conflicts (2 of 4 stars). 11 submissions from 11 submitters: Benign (3); Likely benign (5). 3 of the submissions do not count toward it. Last evaluated 2026-01-21.

Conditions:
Bardet-Biedl syndrome 15 (BBS15). Identifiers: Orphanet 110, MedGen C3150127, MONDO:0014443, OMIM 615992.
Bardet-Biedl syndrome (BBS). Identifiers: Orphanet 110, MedGen C0752166, MONDO:0015229.

Allele frequency attached by ClinVar (database versions not stated): 1000 Genomes Project 30x 0.00281; ESP Exome Variant Server 0.00297; 1000 Genomes Project 0.00300; gnomAD 0.00377 and 0.00398; TOPMed 0.00427.
gnomAD v4.1: 1,139 of 1,568,786 alleles (0.073%); highest among the groups gnomAD compares: African/African-American, 1.4%; 6 homozygotes.

Submissions (11):

Labcorp Genetics (formerly Invitae), Labcorp
Classification: Benign for Bardet-Biedl syndrome. Last evaluated: 2026-01-21. Review status: criteria provided, single submitter. Criteria: Invitae Variant Classification Sherloc (09022015). Collection method: clinical testing. Allele origin: germline.

Blueprint Genetics
Classification: Likely benign. Last evaluated: 2024-09-13. Review status: criteria provided, single submitter. Criteria: ACMG Guidelines, 2015. Collection method: clinical testing. Allele origin: germline.

CeGaT Center for Human Genetics Tuebingen
Classification: Likely benign. Last evaluated: 2024-09-01. Review status: criteria provided, single submitter. Criteria: CeGaT Center For Human Genetics Tuebingen Variant Classification Criteria Version 2. Collection method: clinical testing. Allele origin: germline. Affected: yes. Observed: 2 variant alleles.
Comment: WDPCP: BP4, BS1

Illumina Laboratory Services, Illumina
Classification: Likely benign for Bardet-Biedl syndrome 15. Last evaluated: 2018-01-13. Review status: criteria provided, single submitter. Criteria: ICSL Variant Classification Criteria 13 December 2019. Collection method: clinical testing. Allele origin: germline.
Comment: This variant was observed in the ICSL laboratory as part of a predisposition screen in an ostensibly healthy population. It had not been previously curated by ICSL or reported in the Human Gene Mutation Database (HGMD: prior to June 1st, 2018), and was therefore a candidate for classification through an automated scoring system. Utilizing variant allele frequency, disease prevalence and penetrance estimates, and inheritance mode, an automated score was calculated to assess if this variant is too frequent to cause the disease. Based on the score and internal cut-off values, a variant classified as likely benign is not then subjected to further curation. The score for this variant resulted in a classification of likely benign for this disease.

Genetic Services Laboratory, University of Chicago
Classification: Benign. Last evaluated: 2017-07-14. Review status: criteria provided, single submitter. Criteria: ACMG Guidelines, 2015. Collection method: clinical testing. Allele origin: germline. Affected: no.

Center for Pediatric Genomic Medicine, Children's Mercy Hospital and Clinics
Classification: Likely benign. Last evaluated: 2016-09-13. Review status: criteria provided, single submitter. Criteria: ACMG Guidelines, 2015. Collection method: clinical testing. Allele origin: germline.
ClinVar note: Converted during submission from Likely Benign to Likely benign.

Eurofins Ntd Llc (ga)
Classification: Benign. Last evaluated: 2015-03-05. Review status: criteria provided, single submitter. Criteria: EGL Classification Definitions 2015. Collection method: clinical testing. Allele origin: germline. Observed: 1 variant allele, 1 heterozygote.

Breakthrough Genomics
Classification: Likely benign. Review status: criteria provided, single submitter. Criteria: ACMG Guidelines, 2015. Collection method: not provided. Allele origin: germline. Inheritance: Autosomal recessive inheritance. Affected: yes.

Clinical Genetics DNA and cytogenetics Diagnostics Lab, Erasmus MC, Erasmus Medical Center
Classification: Likely benign. Review status: no assertion criteria provided. Collection method: clinical testing. Allele origin: germline. Affected: yes. Study: VKGL Data-share Consensus. Not counted in ClinVar's aggregate classification.

Clinical Genetics, Academic Medical Center
Classification: Benign. Review status: no assertion criteria provided. Collection method: clinical testing. Allele origin: germline. Affected: yes. Study: VKGL Data-share Consensus. Not counted in ClinVar's aggregate classification.

Genome Diagnostics Laboratory, University Medical Center Utrecht
Classification: Likely benign. Review status: no assertion criteria provided. Collection method: clinical testing. Allele origin: germline. Affected: yes. Study: VKGL Data-share Consensus. Not counted in ClinVar's aggregate classification.